The following is an entry in ClinVar:

ClinVar aggregate classification (germline): Pathogenic/Likely pathogenic. Review status: criteria provided, multiple submitters, no conflicts (2 of 4 stars). 4 submissions from 4 submitters: Pathogenic (2); Likely pathogenic (2). Last evaluated 2025-12-17.

Conditions:
EDNRB-related disorder. Also called: EDNRB-related disorders; EDNRB-related condition.
Waardenburg syndrome type 4A (WS4A). Also called: WAARDENBURG SYNDROME WITH HIRSCHSPRUNG DISEASE, TYPE 4A. Identifiers: Orphanet 897, MedGen C1848519, MONDO:0010192, OMIM 277580.

Submissions (4):

PreventionGenetics, part of Exact Sciences
Classification: Likely pathogenic for EDNRB-related condition. Last evaluated: 2025-12-17. Review status: criteria provided, single submitter. Criteria: ACMG Guidelines, 2015. Collection method: clinical testing. Allele origin: germline.
Comment: The EDNRB c.902delT variant is predicted to result in premature protein termination (p.Leu301*). To our knowledge, this variant has not been reported in the literature or in a large population database (gnomAD), indicating this variant is rare. Frameshift variants in EDNRB are expected to be pathogenic. This variant is interpreted as likely pathogenic.

Labcorp Genetics (formerly Invitae), Labcorp
Classification: Pathogenic. Last evaluated: 2025-04-11. Review status: criteria provided, single submitter. Criteria: Invitae Variant Classification Sherloc (09022015). Collection method: clinical testing. Allele origin: germline.
Comment: This sequence change creates a premature translational stop signal (p.Leu301*) in the EDNRB gene. It is expected to result in an absent or disrupted protein product. Loss-of-function variants in EDNRB are known to be pathogenic (PMID: 8001159, 10528251, 20127975, 30394532). This variant is not present in population databases (gnomAD no frequency). This variant has not been reported in the literature in individuals affected with EDNRB-related conditions. ClinVar contains an entry for this variant (Variation ID: 3233625). For these reasons, this variant has been classified as Pathogenic.

GeneDx
Classification: Likely pathogenic. Last evaluated: 2025-01-14. Review status: criteria provided, single submitter. Criteria: GeneDx Variant Classification Process June 2021. Collection method: clinical testing. Allele origin: germline. Affected: yes.
Comment: Nonsense variant predicted to result in protein truncation or nonsense mediated decay in a gene for which loss of function is a known mechanism of disease; Not observed at significant frequency in large population cohorts (gnomAD); Has not been previously published as pathogenic or benign to our knowledge

Women's Health and Genetics/Laboratory Corporation of America, LabCorp
Classification: Pathogenic for Waardenburg syndrome type 4A. Last evaluated: 2024-03-06. Review status: criteria provided, single submitter. Criteria: LabCorp Variant Classification Summary - May 2015. Collection method: clinical testing. Allele origin: germline.
Comment: Variant summary: EDNRB c.902delT (p.Leu301X) results in a premature termination codon, predicted to cause absence of the protein due to nonsense mediated decay, which is a commonly known mechanism for disease. The variant was absent in 250510 control chromosomes. To our knowledge, no occurrence of c.902delT in individuals affected with Waardenburg Syndrome Type 4A and no experimental evidence demonstrating its impact on protein function have been reported. No submitters have cited clinical-significance assessments for this variant to ClinVar. Based on the evidence outlined above, the variant was classified as pathogenic.

Literature cited by the submitters: PubMed 8001159 (cited by Labcorp Genetics (formerly Invitae), Labcorp); PubMed 10528251 (cited by Labcorp Genetics (formerly Invitae), Labcorp); PubMed 20127975 (cited by Labcorp Genetics (formerly Invitae), Labcorp); PubMed 30394532 (cited by Labcorp Genetics (formerly Invitae), Labcorp).

NM_001122659.3(EDNRB):c.902del (p.Met300_Leu301insTer)

Genes: EDNRB (endothelin receptor type B; minus strand), EDNRB-AS1 (EDNRB antisense RNA 1; plus strand). Cytogenetic location: 13q22.3.
Variant type: Deletion.
Coding change: c.902del on transcript NM_001122659.3 (MANE Select); coding-DNA position 902, one base deleted (T; older notation c.902delT).
Protein change: p.Met300_Leu301insTer.
Molecular consequence: nonsense. On other transcripts: frameshift variant (1).
Genome position (GRCh38, 1-based): chr13:77,901,107, A deleted on the plus strand (T on the coding strand, the reverse complement: EDNRB is on the minus strand); the first of 2 consecutive A bases (chr13:77,901,107-77,901,108); deleting either gives the same sequence. VCF-style (leftmost placement, unchanged base first): chr13-77901106-CA-C. GRCh37 (hg19) VCF-style: chr13-78475241-CA-C.
Other names: c.902delT (NM_000115.4, NM_000115.5); c.902del (NM_000115.3); c.902del, p.Met300_Leu301insTer (NM_000115.5, NM_003991.4); c.1171delT, p.Leu391Terfs (NM_001201397.2).
Identifiers: ClinVar variation 3233625 (VCV003233625.6), dbSNP rs762023761, ClinGen allele CA7012223.
Genomic context (GRCh38, chr13:77,901,106, plus strand): 5'-GTATTTTCTTACCTGCTTTAGGTGATCATTTAAAGCAATCTGCATGCCACTTTTCTTTCT[CA>C]ACATTTCACAGGTCATTAGTGTATAAAAAAATGCAGTGATGGCCAATGGCAAGCAGAAAT-3'